The following is an entry in ClinVar:

ClinVar aggregate classification (germline): Uncertain significance. Review status: criteria provided, multiple submitters, no conflicts (2 of 4 stars). 2 submissions from 2 submitters: Uncertain significance (2). Last evaluated 2025-10-26.

gnomAD v4.1: 5 of 1,614,158 alleles (0.00031%); highest among the groups gnomAD compares: South Asian, 0.0011%; no homozygotes.

Submissions (2):

Labcorp Genetics (formerly Invitae), Labcorp
Classification: Uncertain significance. Last evaluated: 2025-10-26. Review status: criteria provided, single submitter. Criteria: Invitae Variant Classification Sherloc (09022015). Collection method: clinical testing. Allele origin: germline.
Comment: This sequence change replaces isoleucine, which is neutral and non-polar, with valine, which is neutral and non-polar, at codon 647 of the KMT2A protein (p.Ile647Val). This variant is present in population databases (rs782798879, gnomAD 0.0009%). This variant has not been reported in the literature in individuals affected with KMT2A-related conditions. Invitae Evidence Modeling of protein sequence and biophysical properties (such as structural, functional, and spatial information, amino acid conservation, physicochemical variation, residue mobility, and thermodynamic stability) indicates that this missense variant is not expected to disrupt KMT2A protein function with a negative predictive value of 95%. In summary, the available evidence is currently insufficient to determine the role of this variant in disease. Therefore, it has been classified as a Variant of Uncertain Significance.

GeneDx
Classification: Uncertain significance. Last evaluated: 2025-05-07. Review status: criteria provided, single submitter. Criteria: GeneDx Variant Classification Process June 2021. Collection method: clinical testing. Allele origin: germline. Affected: yes.
Comment: Not observed at significant frequency in large population cohorts (gnomAD); In silico analysis suggests that this missense variant does not alter protein structure/function; Has not been previously published as pathogenic or benign to our knowledge

NM_001197104.2(KMT2A):c.1939A>G (p.Ile647Val)

Gene: KMT2A (lysine methyltransferase 2A; plus strand). Cytogenetic location: 11q23.3.
Variant type: single nucleotide variant.
Coding change: c.1939A>G on transcript NM_001197104.2 (MANE Select); coding-DNA position 1939, A replaced by G.
Protein change: p.Ile647Val; replaces isoleucine 647 with valine.
Molecular consequence: missense variant.
Genome position (GRCh38, 1-based): chr11:118,473,098, A>G. VCF-style: chr11-118473098-A-G. GRCh37 (hg19) VCF-style: chr11-118343813-A-G.
Other names: c.2038A>G, p.Ile680Val (NM_001412597.1); c.1939A>G, p.Ile647Val (NM_005933.4); short protein forms I647V, I680V.
Identifiers: ClinVar variation 4528195 (VCV004528195.2).